The following is an entry in ClinVar:

NM_052859.4(RFT1):c.699G>A (p.Ala233=)

Gene: RFT1 (RFT1 glycolipid translocator homolog; minus strand). Cytogenetic location: 3p21.1.
Variant type: single nucleotide variant.
Coding change: c.699G>A on transcript NM_052859.4 (MANE Select); coding-DNA position 699, G replaced by A.
Protein change: p.Ala233=; no amino-acid change (alanine 233 retained).
Molecular consequence: synonymous variant.
Genome position (GRCh38, 1-based): chr3:53,111,906, C>T on the plus strand (G>A on the coding strand, the complement: RFT1 is on the minus strand). VCF-style: chr3-53111906-C-T. GRCh37 (hg19) VCF-style: chr3-53145922-C-T.
Other names: c.699G>A (NM_052859.3).
Identifiers: ClinVar variation 1611905 (VCV001611905.10), dbSNP rs763683975, ClinGen allele CA2451364.

ClinVar aggregate classification (germline): Likely benign. Review status: criteria provided, single submitter (1 of 4 stars). 2 submissions from 2 submitters: Likely benign (1). 1 of the submissions does not count toward it. Last evaluated 2025-07-24.

Conditions:
RFT1-related disorder. Also called: RFT1-related condition.
RFT1-congenital disorder of glycosylation (CDG1N). Also called: CDG In; RFT1-CDG; Congenital disorder of glycosylation type In. Identifiers: Orphanet 244310, MedGen C2677590, MONDO:0012783, OMIM 612015.

Allele frequency attached by ClinVar (database versions not stated): gnomAD 0.00001; ExAC 0.00003.
gnomAD v4.1: 50 of 1,612,304 alleles (0.0031%); highest among the groups gnomAD compares: Middle Eastern, 0.016%; no homozygotes.

Submissions (2):

Labcorp Genetics (formerly Invitae), Labcorp
Classification: Likely benign for RFT1-congenital disorder of glycosylation. Last evaluated: 2025-07-24. Review status: criteria provided, single submitter. Criteria: Invitae Variant Classification Sherloc (09022015). Collection method: clinical testing. Allele origin: germline.

PreventionGenetics, part of Exact Sciences
Classification: Likely benign for RFT1-related condition. Last evaluated: 2021-07-13. Review status: no assertion criteria provided. Collection method: clinical testing. Allele origin: germline. Not counted in ClinVar's aggregate classification.
Comment: This variant is classified as likely benign based on ACMG/AMP sequence variant interpretation guidelines (Richards et al. 2015 PMID: 25741868, with internal and published modifications).